The following is an entry in ClinVar:

NM_000747.3(CHRNB1):c.1004_1006delinsCTC (p.Arg335_Ser336delinsProPro)

Gene: CHRNB1 (cholinergic receptor nicotinic beta 1 subunit; plus strand). Cytogenetic location: 17p13.1.
Variant type: Indel.
Coding change: c.1004_1006delinsCTC on transcript NM_000747.3 (MANE Select); coding-DNA positions 1004 to 1006, GCT replaced by CTC.
Protein change: p.Arg335_Ser336delinsProPro.
Molecular consequence: missense variant.
Genome position (GRCh38, 1-based): chr17:7,454,480-7,454,482, GCT replaced by CTC. VCF-style: chr17-7454480-GCT-CTC. GRCh37 (hg19) VCF-style: chr17-7357799-GCT-CTC.
Identifiers: ClinVar variation 5002449 (VCV005002449.1).

ClinVar aggregate classification (germline): Uncertain significance (1 of 4 stars; one submission).

Conditions:
CHRNB1-related disorder. Also called: CHRNB1-related condition.

Submission:

PreventionGenetics, part of Exact Sciences
Classification: Uncertain significance for CHRNB1-related condition. Last evaluated: 2025-02-18. Review status: criteria provided, single submitter. Criteria: ACMG Guidelines, 2015. Collection method: clinical testing. Allele origin: germline.
Comment: The CHRNB1 c.1004_1006delinsCTC variant is predicted to result in an in-frame deletion and insertion. To our knowledge, this variant has not been reported in the literature or in a large population database (gnomAD), indicating this variant is rare. At this time, the clinical significance of this variant is uncertain due to the absence of conclusive functional and genetic evidence.